The following is an entry in ClinVar:

ClinVar aggregate classification (germline): Pathogenic (1 of 4 stars; one submission).

Conditions:
Wilson disease (WND). Also called: Wilson's disease. Identifiers: Orphanet 905, MedGen C0019202, MONDO:0010200, OMIM 277900. Disease mechanism: loss of function.

Allele frequency attached by ClinVar (database versions not stated): gnomAD exomes below 0.00001.

Submission:

Labcorp Genetics (formerly Invitae), Labcorp
Classification: Pathogenic for Wilson disease. Last evaluated: 2024-01-21. Review status: criteria provided, single submitter. Criteria: Invitae Variant Classification Sherloc (09022015). Collection method: clinical testing. Allele origin: germline.
Comment: This sequence change creates a premature translational stop signal (p.Tyr44Metfs*24) in the ATP7B gene. It is expected to result in an absent or disrupted protein product. Loss-of-function variants in ATP7B are known to be pathogenic (PMID: 10441329, 16283883). This variant is not present in population databases (gnomAD no frequency). This variant has not been reported in the literature in individuals affected with ATP7B-related conditions. For these reasons, this variant has been classified as Pathogenic.

Literature cited by the submitters: PubMed 10441329; PubMed 16283883.

NM_000053.4(ATP7B):c.130del (p.Tyr44fs)

Gene: ATP7B (ATPase copper transporting beta; minus strand). Cytogenetic location: 13q14.3.
Variant type: Deletion.
Coding change: c.130del on transcript NM_000053.4 (MANE Select); coding-DNA position 130, one base deleted (T; older notation c.130delT).
Protein change: p.Tyr44fs; shifts the reading frame from tyrosine 44.
Molecular consequence: frameshift variant.
Genome position (GRCh38, 1-based): chr13:51,975,090, A deleted on the plus strand (T on the coding strand, the reverse complement: ATP7B is on the minus strand). VCF-style (leftmost placement, unchanged base first): chr13-51975089-TA-T. GRCh37 (hg19) VCF-style: chr13-52549225-TA-T.
Other names: c.130del, p.Tyr44fs (NM_001406515.1, NM_001406516.1, NM_001406519.1 and 30 more transcripts); c.34del, p.Tyr12fs (NM_001406517.1, NM_001406518.1, NM_001406536.1 and 4 more transcripts); short protein forms Y12fs, Y44fs.
Identifiers: ClinVar variation 2864901 (VCV002864901.3), dbSNP rs2547825885, ClinGen allele CA2623119931.
Genomic context (GRCh38, chr13:51,975,089, plus strand): 5'-ATCCTGACTGTGCTGGTGGCCACCTGAGAAGAAGGGCCCAGGCCATCCAGACCACCTTCA[TA>T]GCCAACATTGTCAAAAGCAAAACTCTTCTTCATTGCTGGTTCCCAGGCACGGGTAGGCAA-3'